The following is an entry in ClinVar:

ClinVar aggregate classification (germline): Benign/Likely benign. Review status: criteria provided, multiple submitters, no conflicts (2 of 4 stars). 3 submissions from 3 submitters: Benign (1); Likely benign (2). Last evaluated 2026-01-25.

Conditions:
Hereditary cancer-predisposing syndrome. Also called: Neoplastic Syndromes, Hereditary; Tumor predisposition; Hereditary Cancer Syndrome; Hereditary neoplastic syndrome. Identifiers: Orphanet 140162, MedGen C0027672, MeSH D009386, MONDO:0015356.
Oligodontia-cancer predisposition syndrome. Also called: TOOTH AGENESIS-COLORECTAL CANCER SYNDROME. Identifiers: Orphanet 300576, MedGen C1837750, MONDO:0012075, OMIM 608615. Disease mechanism: loss of function.

gnomAD v4.1: 1 of 1,614,036 alleles (0.000062%); no homozygotes.

Submissions (3):

Labcorp Genetics (formerly Invitae), Labcorp
Classification: Likely benign for Oligodontia-cancer predisposition syndrome. Last evaluated: 2026-01-25. Review status: criteria provided, single submitter. Criteria: Invitae Variant Classification Sherloc (09022015). Collection method: clinical testing. Allele origin: germline.

Myriad Genetics, Inc.
Classification: Benign for Oligodontia-cancer predisposition syndrome. Last evaluated: 2024-06-28. Review status: criteria provided, single submitter. Criteria: Myriad Autosomal Dominant, Autosomal Recessive and X-Linked Classification Criteria (2023). Collection method: clinical testing. Allele origin: unknown.
Comment: This variant is considered benign. This variant is a silent/synonymous amino acid change and it is not expected to impact splicing.

Ambry Genetics
Classification: Likely benign for Hereditary cancer-predisposing syndrome. Last evaluated: 2021-01-29. Review status: criteria provided, single submitter. Criteria: Ambry Variant Classification Scheme 2023. Collection method: clinical testing. Allele origin: germline.

NM_004655.4(AXIN2):c.972T>C (p.Pro324=)

Gene: AXIN2 (axin 2; minus strand). Cytogenetic location: 17q24.1.
Variant type: single nucleotide variant.
Coding change: c.972T>C on transcript NM_004655.4 (MANE Select); coding-DNA position 972, T replaced by C.
Protein change: p.Pro324=; no amino-acid change (proline 324 retained).
Molecular consequence: synonymous variant.
Genome position (GRCh38, 1-based): chr17:65,541,542, A>G on the plus strand (T>C on the coding strand, the complement: AXIN2 is on the minus strand). VCF-style: chr17-65541542-A-G. GRCh37 (hg19) VCF-style: chr17-63537660-A-G.
Other names: c.972T>C (LRG_296t1); c.972T>C, p.Pro324= (NM_001363813.1).
Identifiers: ClinVar variation 464652 (VCV000464652.12), dbSNP rs1165023118, ClinGen allele CA501476518.